The following is an entry in ClinVar:

ClinVar aggregate classification (germline): Uncertain significance. Review status: criteria provided, multiple submitters, no conflicts (2 of 4 stars). 2 submissions from 2 submitters: Uncertain significance (2). Last evaluated 2025-12-23.

Conditions:
Birt-Hogg-Dube syndrome. Also called: Birt Hogg Dubé syndrome. Identifiers: Orphanet 122, MedGen C0346010, MONDO:0800444.
Hereditary cancer-predisposing syndrome. Also called: Neoplastic Syndromes, Hereditary; Tumor predisposition; Hereditary neoplastic syndrome; Hereditary Cancer Syndrome. Identifiers: Orphanet 140162, MedGen C0027672, MeSH D009386, MONDO:0015356.

gnomAD v4.1: 1 of 1,614,096 alleles (0.000062%); highest among the groups gnomAD compares: Non-Finnish European, 0.000085%; no homozygotes.

Submissions (2):

Labcorp Genetics (formerly Invitae), Labcorp
Classification: Uncertain significance for Birt-Hogg-Dube syndrome. Last evaluated: 2025-12-23. Review status: criteria provided, single submitter. Criteria: Invitae Variant Classification Sherloc (09022015). Collection method: clinical testing. Allele origin: germline.
Comment: This sequence change replaces serine, which is neutral and polar, with leucine, which is neutral and non-polar, at codon 79 of the FLCN protein (p.Ser79Leu). This variant is not present in population databases (gnomAD no frequency). This variant has not been reported in the literature in individuals affected with FLCN-related conditions. ClinVar contains an entry for this variant (Variation ID: 1790269). Invitae Evidence Modeling of protein sequence and biophysical properties (such as structural, functional, and spatial information, amino acid conservation, physicochemical variation, residue mobility, and thermodynamic stability) indicates that this missense variant is not expected to disrupt FLCN protein function with a negative predictive value of 80%. In summary, the available evidence is currently insufficient to determine the role of this variant in disease. Therefore, it has been classified as a Variant of Uncertain Significance.

Ambry Genetics
Classification: Uncertain significance for Hereditary cancer-predisposing syndrome. Last evaluated: 2024-12-09. Review status: criteria provided, single submitter. Criteria: Ambry Variant Classification Scheme 2023. Collection method: clinical testing. Allele origin: germline.
Comment: The p.S79L variant (also known as c.236C>T), located in coding exon 1 of the FLCN gene, results from a C to T substitution at nucleotide position 236. The serine at codon 79 is replaced by leucine, an amino acid with dissimilar properties. This amino acid position is highly conserved in available vertebrate species. In addition, the in silico prediction for this alteration is inconclusive. Since supporting evidence is limited at this time, the clinical significance of this alteration remains unclear.

NM_144997.7(FLCN):c.236C>T (p.Ser79Leu)

Gene: FLCN (folliculin; minus strand). Cytogenetic location: 17p11.2.
Variant type: single nucleotide variant.
Coding change: c.236C>T on transcript NM_144997.7 (MANE Select); coding-DNA position 236, C replaced by T.
Protein change: p.Ser79Leu; replaces serine 79 with leucine.
Molecular consequence: missense variant.
Genome position (GRCh38, 1-based): chr17:17,227,902, G>A on the plus strand (C>T on the coding strand, the complement: FLCN is on the minus strand). VCF-style: chr17-17227902-G-A. GRCh37 (hg19) VCF-style: chr17-17131216-G-A.
Other names: c.236C>T, p.Ser79Leu (NM_001353229.2, NM_001353230.2, NM_001353231.2 and 1 more transcripts); short protein forms S79L.
Identifiers: ClinVar variation 1790269 (VCV001790269.6), dbSNP rs137852930, ClinGen allele CA398535039.